The following is an entry in ClinVar:

ClinVar aggregate classification (germline): Uncertain significance. Review status: criteria provided, multiple submitters, no conflicts (2 of 4 stars). 2 submissions from 2 submitters: Uncertain significance (2). Last evaluated 2026-08-19.

Conditions:
Cardiovascular phenotype. Identifiers: MedGen CN230736.

Submissions (2):

Ambry Genetics
Classification: Uncertain significance for Cardiovascular phenotype. Last evaluated: 2026-08-19. Review status: criteria provided, single submitter. Criteria: Ambry Variant Classification Scheme 2023. Collection method: clinical testing. Allele origin: germline.
Comment: The p.D376G variant (also known as c.1127A>G), located in coding exon 11 of the CASQ2 gene, results from an A to G substitution at nucleotide position 1127. The aspartic acid at codon 376 is replaced by glycine, an amino acid with similar properties. This amino acid position is conserved. In addition, this alteration is predicted to be tolerated by in silico analysis. Based on the available evidence, the clinical significance of this variant remains unclear.

GeneDx
Classification: Uncertain significance. Last evaluated: 2014-11-18. Review status: criteria provided, single submitter. Criteria: GeneDx Variant Classification (06012015). Collection method: clinical testing. Allele origin: germline. Affected: yes.
Comment: p.Asp376Gly (GAT>GGT): c.1127 A>G in exon 11 of the CASQ2 gene (NM_001232.3) The D376G variant has not beenpublished as a mutation, nor has it been reported as a benign polymorphism to our knowledge. The D376G variant was not observed in approximately 6,500 individuals of European and African American ancestry in the NHLBI Exome Sequencing Project, indicating it is not a common benign variant in these populations. The D376G variant is a non-conservative amino acid substitution, which is likely to impact secondary protein structure as these residues differ in polarity, charge, size and/or other properties. However, this substitution occurs at a position that is not conserved across species. In silico analysis is inconsistent in its predictions as to whether or not the variant is damaging to the protein structure/function. Additionally, missense mutations in nearby residues have not been reported, indicating this region of the protein may be tolerant of change. Therefore, based on the currently available information, it is unclear whether this variant is a pathogenic mutation or a rare benign variant. The variant is found in ARRHYTHMIA panel(s).

NM_001232.4(CASQ2):c.1127A>G (p.Asp376Gly)

Gene: CASQ2 (calsequestrin 2; minus strand). Cytogenetic location: 1p13.1.
Variant type: single nucleotide variant.
Coding change: c.1127A>G on transcript NM_001232.4 (MANE Select); coding-DNA position 1127, A replaced by G.
Protein change: p.Asp376Gly; replaces aspartic acid 376 with glycine.
Molecular consequence: missense variant.
Genome position (GRCh38, 1-based): chr1:115,701,314, T>C on the plus strand (A>G on the coding strand, the complement: CASQ2 is on the minus strand). VCF-style: chr1-115701314-T-C. GRCh37 (hg19) VCF-style: chr1-116243935-T-C.
Other names: p.D376G:GAT>GGT; short protein forms D376G.
Identifiers: ClinVar variation 190756 (VCV000190756.3), dbSNP rs786205796, ClinGen allele CA301939.